The following is an entry in ClinVar:

ClinVar aggregate classification (germline): Likely pathogenic (1 of 4 stars; one submission).

Conditions:
Interstitial lung disease due to ABCA3 deficiency. Also called: PULMONARY ALVEOLAR PROTEINOSIS, CONGENITAL, 3. Identifiers: Orphanet 440402, MedGen C1970456, MONDO:0012582, OMIM 610921.

Submission:

Juno Genomics, Hangzhou Juno Genomics, Inc
Classification: Likely pathogenic for Interstitial lung disease due to ABCA3 deficiency. Review status: criteria provided, single submitter. Criteria: ACMG Guidelines, 2015. Collection method: clinical testing. Allele origin: germline.
Comment: Null variant in a gene where loss of function (LOF) is a known mechanism of disease.;Absent from controls (or at extremely low frequency if recessive) in Genome Aggregation Database.

NM_001089.3(ABCA3):c.3868C>T (p.Gln1290Ter)

Gene: ABCA3 (ATP binding cassette subfamily A member 3; minus strand). Cytogenetic location: 16p13.3.
Variant type: single nucleotide variant.
Coding change: c.3868C>T on transcript NM_001089.3 (MANE Select); coding-DNA position 3868, C replaced by T.
Protein change: p.Gln1290Ter; replaces glutamine 1290 with a stop codon.
Molecular consequence: nonsense.
Genome position (GRCh38, 1-based): chr16:2,283,353, G>A on the plus strand (C>T on the coding strand, the complement: ABCA3 is on the minus strand). VCF-style: chr16-2283353-G-A. GRCh37 (hg19) VCF-style: chr16-2333354-G-A.
Other names: short protein forms Q1290*.
Identifiers: ClinVar variation 5005550 (VCV005005550.2).